The following is an entry in ClinVar:

NM_001375834.1(WIPF1):c.1446C>T (p.Asn482=)

Gene: WIPF1 (WAS/WASL interacting protein family member 1; minus strand). Cytogenetic location: 2q31.1.
Variant type: single nucleotide variant.
Coding change: c.1446C>T on transcript NM_001375834.1 (MANE Select); coding-DNA position 1446, C replaced by T.
Protein change: p.Asn482=; no amino-acid change (asparagine 482 retained).
Molecular consequence: synonymous variant.
Genome position (GRCh38, 1-based): chr2:174,567,080, G>A on the plus strand (C>T on the coding strand, the complement: WIPF1 is on the minus strand). VCF-style: chr2-174567080-G-A. GRCh37 (hg19) VCF-style: chr2-175431808-G-A.
Other names: p.Asn482=; c.1446C>T, p.Asn482= (NM_001077269.1, NM_001375832.1, NM_001375833.1 and 2 more transcripts); c.1068C>T, p.Asn356= (NM_001375839.1).
Identifiers: ClinVar variation 403609 (VCV000403609.18), dbSNP rs116757787, ClinGen allele CA1973907.

ClinVar aggregate classification (germline): Benign/Likely benign. Review status: criteria provided, multiple submitters, no conflicts (2 of 4 stars). 5 submissions from 5 submitters: Benign (2); Likely benign (3). Last evaluated 2026-02-04.

Conditions:
Wiskott-Aldrich syndrome 2 (WAS2). Also called: WIPF1 DEFICIENCY. Identifiers: Orphanet 906, MedGen C3281001, MONDO:0013779, OMIM 614493.

Allele frequency attached by ClinVar (database versions not stated): ExAC 0.00525; gnomAD exomes 0.00544 and 0.00629; 1000 Genomes Project 0.00599; 1000 Genomes Project 30x 0.00734; gnomAD 0.00945 and 0.01011; ESP Exome Variant Server 0.01030; TOPMed 0.01056.
gnomAD v4.1: 10,684 of 1,614,080 alleles (0.66%); highest among the groups gnomAD compares: African/African-American, 1.8%; 56 homozygotes.

Submissions (5):

Labcorp Genetics (formerly Invitae), Labcorp
Classification: Benign for Wiskott-Aldrich syndrome 2. Last evaluated: 2026-02-04. Review status: criteria provided, single submitter. Criteria: Invitae Variant Classification Sherloc (09022015). Collection method: clinical testing. Allele origin: germline.

Blueprint Genetics
Classification: Likely benign. Last evaluated: 2024-11-26. Review status: criteria provided, single submitter. Criteria: ACMG Guidelines, 2015. Collection method: clinical testing. Allele origin: germline.

Mayo Clinic Laboratories, Mayo Clinic
Classification: Benign. Last evaluated: 2023-06-14. Review status: criteria provided, single submitter. Criteria: ACMG Guidelines, 2015. Collection method: clinical testing. Allele origin: germline. Observed: 17 variant alleles.
Comment: BS1, BS2

Laboratory for Molecular Medicine, Mass General Brigham Personalized Medicine
Classification: Likely benign. Last evaluated: 2016-03-28. Review status: criteria provided, single submitter. Criteria: LMM Criteria. Collection method: clinical testing. Allele origin: germline.
Comment: Variant identified in a genome or exome case(s) and assessed due to predicted null impact of the variant or pathogenic assertions in the literature or databases. Disclaimer: This variant has not undergone full assessment. The following are preliminary notes: Frequency, silent variant not in splice consensus

Breakthrough Genomics
Classification: Likely benign. Review status: criteria provided, single submitter. Criteria: ACMG Guidelines, 2015. Collection method: not provided. Allele origin: germline. Inheritance: Autosomal recessive inheritance. Affected: yes.